The following is an entry in ClinVar:

ClinVar aggregate classification (germline): Uncertain significance (1 of 4 stars; one submission).

Conditions:
Familial hypocalciuric hypercalcemia (FHH). Also called: Familial benign hypercalcemia. Identifiers: Orphanet 405, MedGen C1809471, MONDO:0018458.
Autosomal dominant hypocalcemia 1 (HYPOC1). Also called: HYPOCALCEMIA, FAMILIAL. Identifiers: MedGen C3715128, MONDO:0011013, OMIM 601198.

Allele frequency attached by ClinVar (database versions not stated): gnomAD exomes below 0.00001; ExAC 0.00002.
gnomAD v4.1: 5 of 1,614,154 alleles (0.00031%); highest among the groups gnomAD compares: East Asian, 0.0022%; no homozygotes.

Submission:

Labcorp Genetics (formerly Invitae), Labcorp
Classification: Uncertain significance for Familial hypocalciuric hypercalcemia; Autosomal dominant hypocalcemia 1. Last evaluated: 2022-09-14. Review status: criteria provided, single submitter. Criteria: Invitae Variant Classification Sherloc (09022015). Collection method: clinical testing. Allele origin: germline.
Comment: This sequence change replaces alanine, which is neutral and non-polar, with valine, which is neutral and non-polar, at codon 988 of the CASR protein (p.Ala988Val). This variant is present in population databases (rs759027000, gnomAD 0.01%). This missense change has been observed in individual(s) with idiopathic generalized epilepsy (PMID: 18756473). Algorithms developed to predict the effect of missense changes on protein structure and function (SIFT, PolyPhen-2, Align-GVGD) all suggest that this variant is likely to be tolerated. In summary, the available evidence is currently insufficient to determine the role of this variant in disease. Therefore, it has been classified as a Variant of Uncertain Significance.

Literature cited by the submitters: PubMed 18756473.

NM_000388.4(CASR):c.2963C>T (p.Ala988Val)

Gene: CASR (calcium sensing receptor; plus strand). Cytogenetic location: 3q21.1.
Variant type: single nucleotide variant.
Coding change: c.2963C>T on transcript NM_000388.4 (MANE Select); coding-DNA position 2963, C replaced by T.
Protein change: p.Ala988Val; replaces alanine 988 with valine.
Molecular consequence: missense variant.
Genome position (GRCh38, 1-based): chr3:122,284,917, C>T. VCF-style: chr3-122284917-C-T. GRCh37 (hg19) VCF-style: chr3-122003764-C-T.
Other names: c.2993C>T, p.Ala998Val (NM_001178065.2); short protein forms A998V, A988V.
Identifiers: ClinVar variation 2177679 (VCV002177679.4), dbSNP rs759027000, ClinGen allele CA2569899.